The following is an entry in ClinVar:

ClinVar aggregate classification (germline): Uncertain significance (0 of 4 stars; one submission).

Conditions:
Hermansky-Pudlak syndrome 1 (HPS1). Also called: DELTA STORAGE POOL DISEASE. Identifiers: Orphanet 231500, Orphanet 79430, MedGen C2931875, MONDO:0008748, OMIM 203300.

Submission:

Khatam Pathobiology and Genetic Lab
Classification: Uncertain significance for Hermansky-Pudlak syndrome 1. Last evaluated: 2024-03-09. Review status: no assertion criteria provided. Collection method: clinical testing. Allele origin: germline. Inheritance: Autosomal recessive inheritance. Affected: yes. Observed: 2 variant alleles.
Comment: This variant is rare in population databases and affects a highly conserved amino acid residue. Computational prediction tools suggest a deleterious effect on protein function. Segregation analysis confirmed heterozygosity in the unaffected parents and homozygosity in the affected siblings. However, due to lack of prior functional studies and clinical reports on this specific variant, it is classified as a Variant of Uncertain Significance (VUS) according to ACMG guidelines.

Literature cited by the submitters: DOI 10.1186/s43042-025-00761-0.

NM_000195.5(HPS1):c.1754T>C (p.Leu585Pro)

Gene: HPS1 (HPS1 biogenesis of lysosomal organelles complex 3 subunit 1; minus strand). Cytogenetic location: 10q24.2.
Variant type: single nucleotide variant.
Coding change: c.1754T>C on transcript NM_000195.5 (MANE Select); coding-DNA position 1754, T replaced by C.
Protein change: p.Leu585Pro; replaces leucine 585 with proline.
Molecular consequence: missense variant.
Genome position (GRCh38, 1-based): chr10:98,420,148, A>G on the plus strand (T>C on the coding strand, the complement: HPS1 is on the minus strand). VCF-style: chr10-98420148-A-G. GRCh37 (hg19) VCF-style: chr10-100179905-A-G.
Other names: c.782T>C, p.Leu261Pro (NM_001311345.2, NM_001322487.2, NM_001322489.2); c.1754T>C, p.Leu585Pro (NM_001322476.2, NM_001322477.2); c.1655T>C, p.Leu552Pro (NM_001322478.2, NM_001322479.2); c.1493T>C, p.Leu498Pro (NM_001322480.2, NM_001322481.2); c.1394T>C, p.Leu465Pro (NM_001322482.2); c.1385T>C, p.Leu462Pro (NM_001322483.2, NM_001322484.2); c.1286T>C, p.Leu429Pro (NM_001322485.2); short protein forms L261P, L429P, L462P, L465P, L498P, L552P, L585P.
Identifiers: ClinVar variation 4075418 (VCV004075418.1).